The following is an entry in ClinVar:

ClinVar aggregate classification (germline): Uncertain significance (0 of 4 stars; one submission).

Conditions:
VWF-related disorder. Also called: VWF-related disorders; VWF-related condition.

gnomAD v4.1: 44 of 1,614,122 alleles (0.0027%); highest among the groups gnomAD compares: African/African-American, 0.056%; no homozygotes.

Submission:

PreventionGenetics, part of Exact Sciences
Classification: Uncertain significance for VWF-related condition. Last evaluated: 2024-08-29. Review status: no assertion criteria provided. Collection method: clinical testing. Allele origin: germline.
Comment: The VWF c.2626C>T variant is predicted to result in the amino acid substitution p.Leu876Phe. To our knowledge, this variant has not been reported in the literature. This variant is reported in 0.052% of alleles in individuals of African descent in gnomAD. Although we suspect that this variant may be benign, at this time, the clinical significance of this variant is uncertain due to the absence of conclusive functional and genetic evidence.

NM_000552.5(VWF):c.2626C>T (p.Leu876Phe)

Gene: VWF (von Willebrand factor; minus strand). Cytogenetic location: 12p13.31.
Variant type: single nucleotide variant.
Coding change: c.2626C>T on transcript NM_000552.5 (MANE Select); coding-DNA position 2626, C replaced by T.
Protein change: p.Leu876Phe; replaces leucine 876 with phenylalanine.
Molecular consequence: missense variant.
Genome position (GRCh38, 1-based): chr12:6,034,747, G>A on the plus strand (C>T on the coding strand, the complement: VWF is on the minus strand). VCF-style: chr12-6034747-G-A. GRCh37 (hg19) VCF-style: chr12-6143913-G-A.
Other names: short protein forms L876F.
Identifiers: ClinVar variation 3350428 (VCV003350428.1).
Genomic context (GRCh38, chr12:6,034,747, plus strand): 5'-CCTGCACCAGAACGTACTGGCACTCCCCGGGGAACAGGTATTTGAGCCCGTCGAAGGTGA[G>A]GTAGTGGGCCATGCCGATCGTGGAGCACGTGGCATCACACACATGGTCTGTGCAGTTCCA-3'
Protein context (NP_000543.3, residues 866-886): TCSTIGMAHY[Leu876Phe]TFDGLKYLFP